The following is an entry in ClinVar:

NM_001145809.2(MYH14):c.407C>T (p.Thr136Met)

Gene: MYH14 (myosin heavy chain 14; plus strand). Cytogenetic location: 19q13.33.
Variant type: single nucleotide variant.
Coding change: c.407C>T on transcript NM_001145809.2 (MANE Select); coding-DNA position 407, C replaced by T.
Protein change: p.Thr136Met; replaces threonine 136 with methionine.
Molecular consequence: missense variant.
Genome position (GRCh38, 1-based): chr19:50,217,616, C>T. VCF-style: chr19-50217616-C-T. GRCh37 (hg19) VCF-style: chr19-50720873-C-T.
Other names: c.407C>T, p.Thr136Met (NM_001077186.2, NM_024729.4); short protein forms T136M.
Identifiers: ClinVar variation 376934 (VCV000376934.3), dbSNP rs1057520092, ClinGen allele CA16603214.

ClinVar aggregate classification (germline): Uncertain significance (1 of 4 stars; one submission).

Allele frequency attached by ClinVar (database versions not stated): gnomAD 0.00001; gnomAD exomes 0.00001.
gnomAD v4.1: 9 of 1,613,930 alleles (0.00056%); highest among the groups gnomAD compares: East Asian, 0.0045%; no homozygotes.

Submission:

Center for Pediatric Genomic Medicine, Children's Mercy Hospital and Clinics
Classification: Uncertain significance. Last evaluated: 2016-11-22. Review status: criteria provided, single submitter. Criteria: ACMG Guidelines, 2015. Collection method: clinical testing. Allele origin: germline.
ClinVar note: Converted during submission from Uncertain Significance to Uncertain significance.